The following is an entry in ClinVar:

ClinVar aggregate classification (germline): Uncertain significance (1 of 4 stars; one submission).

Conditions:
JAK1-related disorder. Also called: JAK1-related condition.

Allele frequency attached by ClinVar (database versions not stated): gnomAD exomes below 0.00001.
gnomAD v4.1: 1 of 1,613,984 alleles (0.000062%); highest among the groups gnomAD compares: East Asian, 0.0022%; no homozygotes.

Submission:

PreventionGenetics, part of Exact Sciences
Classification: Uncertain significance for JAK1-related condition. Last evaluated: 2023-09-16. Review status: criteria provided, single submitter. Criteria: ACMG Guidelines, 2015. Collection method: clinical testing. Allele origin: germline.
Comment: The JAK1 c.1899+4A>G variant is predicted to interfere with splicing. To our knowledge, this variant has not been reported in the literature or in a large population database, indicating this variant is rare. At this time, the clinical significance of this variant is uncertain due to the absence of conclusive functional and genetic evidence.

NM_002227.4(JAK1):c.1899+4A>G

Genes: JAK1 (Janus kinase 1; minus strand), LOC126805749 (BRD4-independent group 4 enhancer GRCh37_chr1:65312286-65313485; plus strand). Cytogenetic location: 1p31.3.
Variant type: single nucleotide variant.
Coding change: c.1899+4A>G on transcript NM_002227.4 (MANE Select); 4 bases into the intron after coding-DNA position 1899, A replaced by G.
Molecular consequence: intron variant.
Genome position (GRCh38, 1-based): chr1:64,847,528, T>C on the plus strand (A>G on the coding strand, the complement: JAK1 is on the minus strand). VCF-style: chr1-64847528-T-C. GRCh37 (hg19) VCF-style: chr1-65313211-T-C.
Other names: c.1899+4A>G (NM_001321852.2, NM_001321854.2, NM_001321853.2 and 3 more transcripts); c.1896+4A>G (NM_001321857.2).
Identifiers: ClinVar variation 2629087 (VCV002629087.1), dbSNP rs2524098130, ClinGen allele CA2646052863.
Genomic context (GRCh38, chr1:64,847,528, plus strand): 5'-ATTGTGTTCCACTGGCTCCAGAAACGGGAGAGGGGAGGGGAGGAGTTCAGAGGAAGACAC[T>C]TGCCAGGGAAATATCCCTGTGGCTGGGGTCTAAGACTTTGAGGATCACTTTTATCTTCTT-3'